The following is an entry in ClinVar:

ClinVar aggregate classification (germline): Uncertain significance (1 of 4 stars; one submission).

Conditions:
Ectodermal dysplasia and immunodeficiency 2. Identifiers: Orphanet 238468, Orphanet 98813, MedGen C2677481, MONDO:0012806, OMIM 612132.

Allele frequency attached by ClinVar (database versions not stated): gnomAD exomes below 0.00001.

Submission:

Labcorp Genetics (formerly Invitae), Labcorp
Classification: Uncertain significance for Ectodermal dysplasia and immunodeficiency 2. Last evaluated: 2021-11-05. Review status: criteria provided, single submitter. Criteria: Invitae Variant Classification Sherloc (09022015). Collection method: clinical testing. Allele origin: germline.
Comment: This sequence change replaces glutamic acid, which is acidic and polar, with lysine, which is basic and polar, at codon 86 of the NFKBIA protein (p.Glu86Lys). This variant is present in population databases (no rsID available, gnomAD 0.003%). This variant has not been reported in the literature in individuals affected with NFKBIA-related conditions. Algorithms developed to predict the effect of missense changes on protein structure and function are either unavailable or do not agree on the potential impact of this missense change (SIFT: "Tolerated"; PolyPhen-2: "Possibly Damaging"; Align-GVGD: "Class C0"). In summary, the available evidence is currently insufficient to determine the role of this variant in disease. Therefore, it has been classified as a Variant of Uncertain Significance.

NM_020529.3(NFKBIA):c.256G>A (p.Glu86Lys)

Gene: NFKBIA (NFKB inhibitor alpha; minus strand). Cytogenetic location: 14q13.2.
Variant type: single nucleotide variant.
Coding change: c.256G>A on transcript NM_020529.3 (MANE Select); coding-DNA position 256, G replaced by A.
Protein change: p.Glu86Lys; replaces glutamic acid 86 with lysine.
Molecular consequence: missense variant.
Genome position (GRCh38, 1-based): chr14:35,403,770, C>T on the plus strand (G>A on the coding strand, the complement: NFKBIA is on the minus strand). VCF-style: chr14-35403770-C-T. GRCh37 (hg19) VCF-style: chr14-35872976-C-T.
Other names: short protein forms E86K.
Identifiers: ClinVar variation 1516289 (VCV001516289.6), dbSNP rs1388058525, ClinGen allele CA389454522.